The following is an entry in ClinVar:

NC_012920.1(MT-CYB):m.15363A>G

Gene: MT-CYB (mitochondrially encoded cytochrome b; plus strand).
Variant type: single nucleotide variant.
Genome position: chrM-15363-A-G.
Identifiers: ClinVar variation 143887 (VCV000143887.3), dbSNP rs527236182, ClinGen allele CA170526.
Genomic context (GRCh38, chrMT:15,363, plus strand): 5'-CCTTCATTATTGCAGCCCTAGCAACACTCCACCTCCTATTCTTGCACGAAACGGGATCAA[A>G]CAACCCCCTAGGAATCACCTCCCATTCCGATAAAATCACCTTCCACCCTTACTACACAAT-3'

ClinVar aggregate classification (germline): Benign. Review status: criteria provided, single submitter (1 of 4 stars). 2 submissions from 2 submitters: Benign (1). 1 of the submissions does not count toward it. Last evaluated 2022-05-04.

Conditions:
Ovarian neoplasm. Also called: Ovarian tumor; Neoplasm of ovary; Ovarian Neoplasms. Identifiers: MedGen C0919267, MeSH D010051, MONDO:0021068, HP:0100615.

Submissions (2):

Mendelics
Classification: Benign. Last evaluated: 2022-05-04. Review status: criteria provided, single submitter. Criteria: Mendelics Assertion Criteria 2019. Collection method: clinical testing. Allele origin: germline.

Department of Zoology Govt. MVM College
Classification: Likely pathogenic for Neoplasm of ovary. Review status: no assertion criteria provided. Collection method: not provided. Allele origin: unknown. Not counted in ClinVar's aggregate classification.
Comment: KM275490
ClinVar note: Converted during submission from probable-pathogenic to Likely pathogenic.